The following is an entry in ClinVar:

ClinVar aggregate classification (germline): Pathogenic/Likely pathogenic. Review status: criteria provided, multiple submitters, no conflicts (2 of 4 stars). 4 submissions from 4 submitters: Pathogenic (1); Likely pathogenic (1). 2 of the submissions do not count toward it. Last evaluated 2025-12-23.

Conditions:
Blue rubber bleb nevus. Also called: Blue Rubber Bleb Nevus (BRBN) Syndrome; BEAN SYNDROME. Identifiers: Orphanet 1059, MedGen C0346072, MONDO:0007203, OMIM 112200.
Multiple cutaneous and mucosal venous malformations (VMCM). Also called: TEK-Related Multiple Cutaneous and Mucosal Venous Malformations (VMCM). Identifiers: Orphanet 2451, MedGen C1838437, MONDO:0010842, OMIM 600195.

Submissions (4):

Clinical Genomics Laboratory, Washington University in St. Louis
Classification: Pathogenic for Multiple cutaneous and mucosal venous malformations. Last evaluated: 2025-12-23. Review status: criteria provided, single submitter. Criteria: ACMG Guidelines, 2015. Collection method: clinical testing. Allele origin: germline. Affected: yes.
Comment: A TEK c.2690A>C (p.Tyr897Ser) variant was identified at a near heterozygous allelic fraction of 47.5%, a frequency which may be consistent with it being of germline origin. This variant has been reported in several individuals affected with venous malformations and blue rubber bleb nevus syndrome in germline as well as somatic states (Wouters V et al., PMID: 19888299; Calvert JT et al., PMID: 10369874; Shu W et al., PMID: 22621187; Natynki M et al., PMID: 26319232; Kangas J et al., PMID: 29668117; Paolacci S et al., PMID: 33105631; Limaye N et al., PMID: 19079259; Soblet J et al., PMID: 27519652; Seront E et al., PMID: 20301733). This variant has been reported in the ClinVar database as a somatic likely pathogenic variant by one submitter (Variation ID: 9294). It is absent from the general population (gnomAD v4.1.0), indicating it is not a common variant. It resides within the tyrosine kinase, catalytic domain of TIE2, which is a critical functional domain (Shewchuk LM et al., PMID: 11080633). Computational predictors indicate that the variant is damaging, evidence that correlates with impact on TEK function. Other variants in the same codon, (p.Tyr897Cys, p.Tyr897His, p.Tyr897Asn, p.Tyr897Phe), have been reported in multiple individuals affected with various forms of vascular malformations and are considered pathogenic (Limaye N et al., PMID: 19079259; Soblet J et al., PMID: 23801934; Ten Broek RW et al., PMID: 30677207; Wouters V et al., PMID: 19888299; Ye C et al., PMID: 21962923; Zhou M et al., PMID: 26115772; Soblet J et al., PMID: 27519652; Limaye N et al., PMID: 26637981; Sudduth CL et al., PMID: 34649969; ClinVar Variation ID: 30053; 1691345; 1691346). Based on available information and the ACMG/AMP guidelines for variant interpretation (Richards S et al., PMID: 25741868), this variant is classified as pathogenic.

Seattle Children's Hospital Molecular Genetics Laboratory, Seattle Children's Hospital
Classification: Likely pathogenic for Blue rubber bleb nevus. Last evaluated: 2021-05-11. Review status: criteria provided, single submitter. Criteria: ACMG Guidelines, 2015. Collection method: clinical testing. Allele origin: somatic. Affected: yes.
Comment: This variant has been previously reported in individuals with venous malformations and blue rubber bleb nevus syndrome (PMID: 33105631, PMID: 19079259, PMID: 27519652). This variant has been previously reported in a family with heritable cutaneomucosal venous malformation (PMID: 10369874, NBK1967). This variant is absent from large population studies (gnomAD v2.1.1), and computational algorithms predict a deleterious effect on protein function.

OMIM
Classification: Pathogenic for VENOUS MALFORMATIONS, MULTIPLE CUTANEOUS AND MUCOSAL. Last evaluated: 1999-07-01. Review status: no assertion criteria provided. Collection method: literature only. Allele origin: germline. Not counted in ClinVar's aggregate classification.

GeneReviews
No classification provided. Condition: Multiple cutaneous and mucosal venous malformations. Review status: no classification provided. Collection method: literature only. Allele origin: unknown. Not counted in ClinVar's aggregate classification.

Literature cited by the submitters: PubMed 10369874 (cited by OMIM and GeneReviews); PubMed 20301733 (cited by GeneReviews); NCBI Bookshelf NBK1967 (cited by GeneReviews).

NM_000459.5(TEK):c.2690A>C (p.Tyr897Ser)

Gene: TEK (TEK receptor tyrosine kinase; plus strand). Cytogenetic location: 9p21.2.
Variant type: single nucleotide variant.
Coding change: c.2690A>C on transcript NM_000459.5 (MANE Select); coding-DNA position 2690, A replaced by C.
Protein change: p.Tyr897Ser; replaces tyrosine 897 with serine.
Molecular consequence: missense variant.
Genome position (GRCh38, 1-based): chr9:27,212,710, A>C. VCF-style: chr9-27212710-A-C. GRCh37 (hg19) VCF-style: chr9-27212708-A-C.
Other names: c.2561A>C, p.Tyr854Ser (NM_001290077.2); c.2246A>C, p.Tyr749Ser (NM_001290078.2); c.2687A>C, p.Tyr896Ser (NM_001375475.1); c.2558A>C, p.Tyr853Ser (NM_001375476.1); short protein forms Y897S, Y854S, Y749S, Y853S, Y896S.
Identifiers: ClinVar variation 9294 (VCV000009294.6), dbSNP rs80338909, ClinGen allele CA340902.
Genomic context (GRCh38, chr9:27,212,710, plus strand): 5'-AAATGTCATAGCTGTTCAGGGCCACTGATGAGTCGATGCTCTCTTCCTTCCCTCCAGGCT[A>C]CTTGTACCTGGCCATTGAGTACGCGCCCCATGGAAACCTTCTGGACTTCCTTCGCAAGAG-3'
Protein context (NP_000450.3, residues 887-907): NLLGACEHRG[Tyr897Ser]LYLAIEYAPH